The following is an entry in ClinVar:

ClinVar aggregate classification (germline): Uncertain significance. Review status: criteria provided, multiple submitters, no conflicts (2 of 4 stars). 2 submissions from 2 submitters: Uncertain significance (2). Last evaluated 2024-06-03.

Conditions:
Fanconi anemia (FA). Also called: Fanconi's anemia. Identifiers: Orphanet 84, MedGen C0015625, MeSH D005199, MONDO:0019391.
Fanconi anemia complementation group P. Also called: SLX4-Related Fanconi Anemia. Identifiers: Orphanet 84, MedGen C3469542, MONDO:0013499, OMIM 613951.

Allele frequency attached by ClinVar (database versions not stated): gnomAD exomes 0.00001 and 0.00003; TOPMed 0.00001; gnomAD 0.00001; ExAC 0.00002; 1000 Genomes Project 30x 0.00016; 1000 Genomes Project 0.00020.
gnomAD v4.1: 11 of 1,614,134 alleles (0.00068%); highest among the groups gnomAD compares: East Asian, 0.025%; no homozygotes.

Submissions (2):

Fulgent Genetics
Classification: Uncertain significance for Fanconi anemia complementation group P. Last evaluated: 2024-06-03. Review status: criteria provided, single submitter. Criteria: ACMG Guidelines, 2015. Collection method: clinical testing. Allele origin: germline.

Labcorp Genetics (formerly Invitae), Labcorp
Classification: Uncertain significance for Fanconi anemia. Last evaluated: 2023-12-31. Review status: criteria provided, single submitter. Criteria: Invitae Variant Classification Sherloc (09022015). Collection method: clinical testing. Allele origin: germline.
Comment: This sequence change replaces aspartic acid, which is acidic and polar, with glycine, which is neutral and non-polar, at codon 1125 of the SLX4 protein (p.Asp1125Gly). This variant is present in population databases (rs186784513, gnomAD 0.03%). This variant has not been reported in the literature in individuals affected with SLX4-related conditions. ClinVar contains an entry for this variant (Variation ID: 1061800). An algorithm developed to predict the effect of missense changes on protein structure and function (PolyPhen-2) suggests that this variant is likely to be disruptive. In summary, the available evidence is currently insufficient to determine the role of this variant in disease. Therefore, it has been classified as a Variant of Uncertain Significance.

NM_032444.4(SLX4):c.3374A>G (p.Asp1125Gly)

Gene: SLX4 (SLX4 structure-specific endonuclease subunit; minus strand). Cytogenetic location: 16p13.3.
Variant type: single nucleotide variant.
Coding change: c.3374A>G on transcript NM_032444.4 (MANE Select); coding-DNA position 3374, A replaced by G.
Protein change: p.Asp1125Gly; replaces aspartic acid 1125 with glycine.
Molecular consequence: missense variant.
Genome position (GRCh38, 1-based): chr16:3,590,264, T>C on the plus strand (A>G on the coding strand, the complement: SLX4 is on the minus strand). VCF-style: chr16-3590264-T-C. GRCh37 (hg19) VCF-style: chr16-3640265-T-C.
Other names: short protein forms D1125G.
Identifiers: ClinVar variation 1061800 (VCV001061800.11), dbSNP rs186784513, ClinGen allele CA7865927.
Genomic context (GRCh38, chr16:3,590,264, plus strand): 5'-AGTTTGGATGAAGATTTCTGAGATCTGGAGCTCGAATGGTCAGGATTTGACTGGGTTAGG[T>C]CAATAGACGGAGATTTTTCTGGGAACATCAGGACCCCCTTATTTCTGCACTCCAGCACGG-3'
Protein context (NP_115820.2, residues 1115-1135): LMFPEKSPSI[Asp1125Gly]LTQSNPDHSS